The following is an entry in ClinVar:

ClinVar aggregate classification (germline): Uncertain significance (1 of 4 stars; one submission).

Conditions:
Loeys-Dietz syndrome 4 (LDS4). Also called: TGFB2-Related Loeys-Dietz Syndrome; ANEURYSM, AORTIC AND CEREBRAL, WITH ARTERIAL TORTUOSITY AND SKELETAL MANIFESTATIONS. Identifiers: MedGen C3553762, MONDO:0013897, OMIM 614816.

Allele frequency attached by ClinVar (database versions not stated): gnomAD exomes below 0.00001.
gnomAD v4.1: 4 of 1,607,222 alleles (0.00025%); highest among the groups gnomAD compares: Non-Finnish European, 0.00034%; no homozygotes.

Submission:

Labcorp Genetics (formerly Invitae), Labcorp
Classification: Uncertain significance for Loeys-Dietz syndrome 4. Last evaluated: 2023-08-24. Review status: criteria provided, single submitter. Criteria: Invitae Variant Classification Sherloc (09022015). Collection method: clinical testing. Allele origin: germline.
Comment: ClinVar contains an entry for this variant (Variation ID: 1467845). This sequence change replaces isoleucine, which is neutral and non-polar, with methionine, which is neutral and non-polar, at codon 407 of the TGFB2 protein (p.Ile407Met). This variant is not present in population databases (gnomAD no frequency). This variant has not been reported in the literature in individuals affected with TGFB2-related conditions. Advanced modeling of protein sequence and biophysical properties (such as structural, functional, and spatial information, amino acid conservation, physicochemical variation, residue mobility, and thermodynamic stability) performed at Invitae indicates that this missense variant is not expected to disrupt TGFB2 protein function. In summary, the available evidence is currently insufficient to determine the role of this variant in disease. Therefore, it has been classified as a Variant of Uncertain Significance.

NM_003238.6(TGFB2):c.1221T>G (p.Ile407Met)

Gene: TGFB2 (transforming growth factor beta 2; plus strand). Cytogenetic location: 1q41.
Variant type: single nucleotide variant.
Coding change: c.1221T>G on transcript NM_003238.6 (MANE Select); coding-DNA position 1221, T replaced by G.
Protein change: p.Ile407Met; replaces isoleucine 407 with methionine.
Molecular consequence: missense variant. On other transcripts: non-coding transcript variant (2).
Genome position (GRCh38, 1-based): chr1:218,441,338, T>G. VCF-style: chr1-218441338-T-G. GRCh37 (hg19) VCF-style: chr1-218614680-T-G.
Other names: c.1305T>G, p.Ile435Met (NM_001135599.4); short protein forms I435M, I407M.
Identifiers: ClinVar variation 1467845 (VCV001467845.6), dbSNP rs2102634488, ClinGen allele CA344728054.
Genomic context (GRCh38, chr1:218,441,338, plus strand): 5'-TCTAACCATTCTCTACTACATTGGCAAAACACCCAAGATTGAACAGCTTTCTAATATGAT[T>G]GTAAAGTCTTGCAAATGCAGCTAAAATTCTTGGAAAAGTGGCAAGACCAAAATGACAATG-3'
Protein context (NP_003229.1, residues 397-414): TPKIEQLSNM[Ile407Met]VKSCKCS